The following is an entry in ClinVar:

ClinVar aggregate classification (germline): Uncertain significance. Review status: criteria provided, multiple submitters, no conflicts (2 of 4 stars). 2 submissions from 2 submitters: Uncertain significance (2). Last evaluated 2024-10-03.

Conditions:
Inborn genetic diseases. Identifiers: MedGen C0950123, MeSH D030342.

Allele frequency attached by ClinVar (database versions not stated): TOPMed 0.00001; gnomAD exomes 0.00002.
gnomAD v4.1: 25 of 1,613,298 alleles (0.0015%); highest among the groups gnomAD compares: Non-Finnish European, 0.0021%; no homozygotes.

Submissions (2):

Ambry Genetics
Classification: Uncertain significance for Inborn genetic diseases. Last evaluated: 2024-10-03. Review status: criteria provided, single submitter. Criteria: Ambry Variant Classification Scheme 2023. Collection method: clinical testing. Allele origin: germline.

GeneDx
Classification: Uncertain significance. Last evaluated: 2019-11-18. Review status: criteria provided, single submitter. Criteria: GeneDx Variant Classification Process June 2021. Collection method: clinical testing. Allele origin: germline. Affected: yes.
Comment: Not observed in large population cohorts (Lek et al., 2016); In silico analysis, which includes protein predictors and evolutionary conservation, supports that this variant does not alter protein structure/function; Has not been previously published as pathogenic or benign to our knowledge

NM_022455.5(NSD1):c.3460G>A (p.Val1154Met)

Gene: NSD1 (nuclear receptor binding SET domain protein 1; plus strand). Cytogenetic location: 5q35.3.
Variant type: single nucleotide variant.
Coding change: c.3460G>A on transcript NM_022455.5 (MANE Select); coding-DNA position 3460, G replaced by A.
Protein change: p.Val1154Met; replaces valine 1154 with methionine.
Molecular consequence: missense variant.
Genome position (GRCh38, 1-based): chr5:177,211,859, G>A. VCF-style: chr5-177211859-G-A. GRCh37 (hg19) VCF-style: chr5-176638860-G-A.
Other names: c.2587G>A, p.Val863Met (NM_001365684.2, NM_001409306.1, NM_001409307.1 and 3 more transcripts); c.3460G>A, p.Val1154Met (NM_001409301.1, NM_001409302.1, NM_001409303.1); c.3040G>A, p.Val1014Met (NM_001409304.1); c.2707G>A, p.Val903Met (NM_001409305.1); short protein forms V1154M, V885M, V903M, V1014M, V863M.
Identifiers: ClinVar variation 1304699 (VCV001304699.3), dbSNP rs1001657669, ClinGen allele CA132831469.
Genomic context (GRCh38, chr5:177,211,859, plus strand): 5'-GGCCCAGAGCTGGACTCTGTAATGAACAGTGAGAATGATGAACTCAATGGTGTAAATCAA[G>A]TGGTGCCTAAAAAGCGGTGGCAGCGTTTAAACCAAAGGCGCACTAAACCTCGTAAGCGCA-3'
Protein context (NP_071900.2, residues 1144-1164): ENDELNGVNQ[Val1154Met]VPKKRWQRLN